The following is an entry in ClinVar:

ClinVar aggregate classification (germline): Likely benign. Review status: criteria provided, multiple submitters, no conflicts (2 of 4 stars). 3 submissions from 3 submitters: Likely benign (3). Last evaluated 2025-02-03.

Allele frequency attached by ClinVar (database versions not stated): gnomAD 0.00001 and 0.00002; gnomAD exomes 0.00001 and 0.00003; ExAC 0.00002; TOPMed 0.00002; 1000 Genomes Project 30x 0.00016; 1000 Genomes Project 0.00020.
gnomAD v4.1: 21 of 1,613,128 alleles (0.0013%); highest among the groups gnomAD compares: Admixed American, 0.0083%; no homozygotes.

Submissions (3):

Labcorp Genetics (formerly Invitae), Labcorp
Classification: Likely benign. Last evaluated: 2025-02-03. Review status: criteria provided, single submitter. Criteria: Invitae Variant Classification Sherloc (09022015). Collection method: clinical testing. Allele origin: germline.

CeGaT Center for Human Genetics Tuebingen
Classification: Likely benign. Last evaluated: 2024-12-01. Review status: criteria provided, single submitter. Criteria: CeGaT Center For Human Genetics Tuebingen Variant Classification Criteria Version 2. Collection method: clinical testing. Allele origin: germline. Affected: yes. Observed: 1 variant allele.
Comment: TUBGCP6: BP4, BP7

Blueprint Genetics
Classification: Likely benign. Last evaluated: 2022-07-27. Review status: criteria provided, single submitter. Criteria: ACMG Guidelines, 2015. Collection method: clinical testing. Allele origin: germline.

NM_020461.4(TUBGCP6):c.972C>T (p.Cys324=)

Gene: TUBGCP6 (tubulin gamma complex component 6; minus strand). Cytogenetic location: 22q13.33.
Variant type: single nucleotide variant.
Coding change: c.972C>T on transcript NM_020461.4 (MANE Select); coding-DNA position 972, C replaced by T.
Protein change: p.Cys324=; no amino-acid change (cysteine 324 retained).
Molecular consequence: synonymous variant.
Genome position (GRCh38, 1-based): chr22:50,233,460, G>A on the plus strand (C>T on the coding strand, the complement: TUBGCP6 is on the minus strand). VCF-style: chr22-50233460-G-A. GRCh37 (hg19) VCF-style: chr22-50671889-G-A.
Identifiers: ClinVar variation 1105885 (VCV001105885.23), dbSNP rs201409206, ClinGen allele CA10308869.